The following is an entry in ClinVar:

ClinVar aggregate classification (germline): Uncertain significance (0 of 4 stars; one submission).

Conditions:
Atrial septal defect 4 (ASD4). Identifiers: Orphanet 1478, MedGen C1969657, MONDO:0012654, OMIM 611363.

Submission:

Laboratory of Genomics, Instituto Nacional de Cardiología Ignacio Chávez
Classification: Uncertain significance for Atrial septal defect 4. Review status: no assertion criteria provided. Collection method: not provided. Allele origin: unknown.
ClinVar note: Converted during submission from unknown to Uncertain significance.

NM_001077653.2(TBX20):c.1184T>G (p.Met395Arg)

Gene: TBX20 (T-box transcription factor 20; minus strand). Cytogenetic location: 7p14.2.
Variant type: single nucleotide variant.
Coding change: c.1184T>G on transcript NM_001077653.2 (MANE Select); coding-DNA position 1184, T replaced by G.
Protein change: p.Met395Arg; replaces methionine 395 with arginine.
Molecular consequence: missense variant.
Genome position (GRCh38, 1-based): chr7:35,202,590, A>C on the plus strand (T>G on the coding strand, the complement: TBX20 is on the minus strand). VCF-style: chr7-35202590-A-C. GRCh37 (hg19) VCF-style: chr7-35242202-A-C.
Other names: c.1184T>G, p.Met395Arg (LRG_755t1); short protein forms M395R.
Identifiers: ClinVar variation 132825 (VCV000132825.2), dbSNP rs483352999, ClinGen allele CA156238.